The following is an entry in ClinVar:

ClinVar aggregate classification (germline): Uncertain significance. Review status: criteria provided, multiple submitters, no conflicts (2 of 4 stars). 3 submissions from 3 submitters: Uncertain significance (3). Last evaluated 2026-02-19.

Conditions:
Ataxia-telangiectasia syndrome (AT). Also called: Cerebello-oculocutaneous telangiectasia; Immunodeficiency with ataxia telangiectasia; Ataxia-telangiectasia, complementation group E; Ataxia telangiectasia (A-T); LOUIS-BAR SYNDROME; Ataxia-telangiectasia, complementation group D. Identifiers: Orphanet 100, MedGen C0004135, MONDO:0008840, OMIM 208900.
Hereditary cancer-predisposing syndrome. Also called: Neoplastic Syndromes, Hereditary; Tumor predisposition; Hereditary Cancer Syndrome; Hereditary neoplastic syndrome. Identifiers: Orphanet 140162, MedGen C0027672, MeSH D009386, MONDO:0015356.

Allele frequency attached by ClinVar (database versions not stated): gnomAD 0.00001.
gnomAD v4.1: 1 of 1,612,388 alleles (0.000062%); highest among the groups gnomAD compares: Non-Finnish European, 0.000085%; no homozygotes.

Submissions (3):

Ambry Genetics
Classification: Uncertain significance for Hereditary cancer-predisposing syndrome. Last evaluated: 2026-02-19. Review status: criteria provided, single submitter. Criteria: Ambry Variant Classification Scheme 2023. Collection method: clinical testing. Allele origin: germline.
Comment: The p.N56T variant (also known as c.167A>C), located in coding exon 2 of the ATM gene, results from an A to C substitution at nucleotide position 167. The asparagine at codon 56 is replaced by threonine, an amino acid with similar properties. This amino acid position is conserved. In addition, this alteration is predicted to be tolerated by in silico analysis. Based on the available evidence, the clinical significance of this variant remains unclear.

Labcorp Genetics (formerly Invitae), Labcorp
Classification: Uncertain significance for Ataxia-telangiectasia syndrome. Last evaluated: 2025-08-12. Review status: criteria provided, single submitter. Criteria: Invitae Variant Classification Sherloc (09022015). Collection method: clinical testing. Allele origin: germline.
Comment: This sequence change replaces asparagine, which is neutral and polar, with threonine, which is neutral and polar, at codon 56 of the ATM protein (p.Asn56Thr). This variant is not present in population databases (gnomAD no frequency). This variant has not been reported in the literature in individuals affected with ATM-related conditions. ClinVar contains an entry for this variant (Variation ID: 1171797). Invitae Evidence Modeling of protein sequence and biophysical properties (such as structural, functional, and spatial information, amino acid conservation, physicochemical variation, residue mobility, and thermodynamic stability) indicates that this missense variant is not expected to disrupt ATM protein function with a negative predictive value of 95%. In summary, the available evidence is currently insufficient to determine the role of this variant in disease. Therefore, it has been classified as a Variant of Uncertain Significance.

Color Diagnostics, LLC DBA Color Health
Classification: Uncertain significance for Hereditary cancer-predisposing syndrome. Last evaluated: 2020-12-07. Review status: criteria provided, single submitter. Criteria: ACMG Guidelines, 2015. Collection method: clinical testing. Allele origin: germline.
Comment: This missense variant replaces asparagine with threonine at codon 56 of the ATM protein. Computational prediction suggests that this variant may not impact protein structure and function (internally defined REVEL score threshold <= 0.5, PMID: 27666373). To our knowledge, functional studies have not been reported for this variant. This variant has not been reported in individuals affected with hereditary cancer in the literature. This variant has not been identified in the general population by the Genome Aggregation Database (gnomAD). The available evidence is insufficient to determine the role of this variant in disease conclusively. Therefore, this variant is classified as a Variant of Uncertain Significance.

NM_000051.4(ATM):c.167A>C (p.Asn56Thr)

Gene: ATM (ATM serine/threonine kinase; plus strand). Cytogenetic location: 11q22.3.
Variant type: single nucleotide variant.
Coding change: c.167A>C on transcript NM_000051.4 (MANE Select); coding-DNA position 167, A replaced by C.
Protein change: p.Asn56Thr; replaces asparagine 56 with threonine.
Molecular consequence: missense variant.
Genome position (GRCh38, 1-based): chr11:108,227,870, A>C. VCF-style: chr11-108227870-A-C. GRCh37 (hg19) VCF-style: chr11-108098597-A-C.
Other names: c.167A>C, p.Asn56Thr (NM_001351834.2, NM_001351835.2, NM_001351836.2); short protein forms N56T.
Identifiers: ClinVar variation 1171797 (VCV001171797.11), dbSNP rs1040197895, ClinGen allele CA228368343.
Genomic context (GRCh38, chr11:108,227,870, plus strand): 5'-ATCCTGAAACAATTAAACATCTAGATCGGCATTCAGATTCCAAACAAGGAAAATATTTGA[A>C]TTGGGATGCTGTTTTTAGGTATTCTATTCAAATTTATTTTACTGTCTTTATTTTTCTCTT-3'
Protein context (NP_000042.3, residues 46-66): HSDSKQGKYL[Asn56Thr]WDAVFRFLQK